The following is an entry in ClinVar:

NM_004859.4(CLTC):c.1108G>A (p.Ala370Thr)

Gene: CLTC (clathrin heavy chain; plus strand). Cytogenetic location: 17q23.1.
Variant type: single nucleotide variant.
Coding change: c.1108G>A on transcript NM_004859.4 (MANE Select); coding-DNA position 1108, G replaced by A.
Protein change: p.Ala370Thr; replaces alanine 370 with threonine.
Molecular consequence: missense variant.
Genome position (GRCh38, 1-based): chr17:59,660,529, G>A. VCF-style: chr17-59660529-G-A. GRCh37 (hg19) VCF-style: chr17-57737890-G-A.
Other names: c.1120G>A, p.Ala374Thr (NM_001288653.2); short protein forms A370T, A374T.
Identifiers: ClinVar variation 2729738 (VCV002729738.3), dbSNP rs2509377352, ClinGen allele CA400423706.

ClinVar aggregate classification (germline): Uncertain significance (1 of 4 stars; one submission).

Submission:

Labcorp Genetics (formerly Invitae), Labcorp
Classification: Uncertain significance. Last evaluated: 2023-06-27. Review status: criteria provided, single submitter. Criteria: Invitae Variant Classification Sherloc (09022015). Collection method: clinical testing. Allele origin: germline.
Comment: This variant is not present in population databases (gnomAD no frequency). In summary, the available evidence is currently insufficient to determine the role of this variant in disease. Therefore, it has been classified as a Variant of Uncertain Significance. Experimental studies and prediction algorithms are not available or were not evaluated, and the functional significance of this variant is currently unknown. This variant has not been reported in the literature in individuals affected with CLTC-related conditions. This sequence change replaces alanine, which is neutral and non-polar, with threonine, which is neutral and polar, at codon 374 of the CLTC protein (p.Ala374Thr).